The following is an entry in ClinVar:

ClinVar aggregate classification (germline): Uncertain significance. Review status: criteria provided, multiple submitters, no conflicts (2 of 4 stars). 2 submissions from 2 submitters: Uncertain significance (2). Last evaluated 2022-08-28.

Conditions:
Shprintzen-Goldberg syndrome (SGS). Also called: CRANIOSYNOSTOSIS WITH ARACHNODACTYLY AND ABDOMINAL HERNIAS; SHPRINTZEN-GOLDBERG CRANIOSYNOSTOSIS SYNDROME; Marfanoid disorder with craniosynostosis type 1; Marfanoid craniosynostosis syndrome; Shprintzen-Goldberg marfanoid syndrome. Identifiers: Orphanet 2462, MedGen C1321551, MONDO:0008426, OMIM 182212.
Familial thoracic aortic aneurysm and aortic dissection (TAAD). Also called: Thoracic aortic aneurysms and dissections. Identifiers: Orphanet 91387, MedGen C4707243, MONDO:0019625.

Submissions (2):

Labcorp Genetics (formerly Invitae), Labcorp
Classification: Uncertain significance for Shprintzen-Goldberg syndrome. Last evaluated: 2022-08-28. Review status: criteria provided, single submitter. Criteria: Invitae Variant Classification Sherloc (09022015). Collection method: clinical testing. Allele origin: germline.
Comment: In summary, the available evidence is currently insufficient to determine the role of this variant in disease. Therefore, it has been classified as a Variant of Uncertain Significance. This sequence change replaces leucine, which is neutral and non-polar, with serine, which is neutral and polar, at codon 359 of the SKI protein (p.Leu359Ser). This variant is not present in population databases (gnomAD no frequency). This variant has not been reported in the literature in individuals affected with SKI-related conditions. Advanced modeling of protein sequence and biophysical properties (such as structural, functional, and spatial information, amino acid conservation, physicochemical variation, residue mobility, and thermodynamic stability) performed at Invitae indicates that this missense variant is not expected to disrupt SKI protein function.

Ambry Genetics
Classification: Uncertain significance for Familial thoracic aortic aneurysm and aortic dissection. Last evaluated: 2022-03-22. Review status: criteria provided, single submitter. Criteria: Ambry Variant Classification Scheme 2023. Collection method: clinical testing. Allele origin: germline.
Comment: The p.L359S variant (also known as c.1076T>C), located in coding exon 2 of the SKI gene, results from a T to C substitution at nucleotide position 1076. The leucine at codon 359 is replaced by serine, an amino acid with dissimilar properties. This amino acid position is conserved. In addition, the in silico prediction for this alteration is inconclusive. Since supporting evidence is limited at this time, the clinical significance of this alteration remains unclear.

NM_003036.4(SKI):c.1076T>C (p.Leu359Ser)

Gene: SKI (SKI proto-oncogene; plus strand). Cytogenetic location: 1p36.32.
Variant type: single nucleotide variant.
Coding change: c.1076T>C on transcript NM_003036.4 (MANE Select); coding-DNA position 1076, T replaced by C.
Protein change: p.Leu359Ser; replaces leucine 359 with serine.
Molecular consequence: missense variant.
Genome position (GRCh38, 1-based): chr1:2,303,084, T>C. VCF-style: chr1-2303084-T-C. GRCh37 (hg19) VCF-style: chr1-2234523-T-C.
Other names: short protein forms L359S.
Identifiers: ClinVar variation 1784981 (VCV001784981.7), dbSNP rs2521472684, ClinGen allele CA337954194.